The following is an entry in ClinVar:

NM_001083116.3(PRF1):c.1349C>T (p.Thr450Met)

Gene: PRF1 (perforin 1; minus strand). Cytogenetic location: 10q22.1.
Variant type: single nucleotide variant.
Coding change: c.1349C>T on transcript NM_001083116.3 (MANE Select); coding-DNA position 1349, C replaced by T.
Protein change: p.Thr450Met; replaces threonine 450 with methionine.
Molecular consequence: missense variant.
Genome position (GRCh38, 1-based): chr10:70,598,372, G>A on the plus strand (C>T on the coding strand, the complement: PRF1 is on the minus strand). VCF-style: chr10-70598372-G-A. GRCh37 (hg19) VCF-style: chr10-72358128-G-A.
Other names: c.1349C>T, p.Thr450Met (NM_005041.6); c.1349C>T (NM_005041.5); short protein forms T450M.
Identifiers: ClinVar variation 468301 (VCV000468301.22), dbSNP rs189650890, ClinGen allele CA5538766.

ClinVar aggregate classification (germline): Pathogenic/Likely pathogenic. Review status: criteria provided, multiple submitters, no conflicts (2 of 4 stars). 9 submissions from 9 submitters: Pathogenic (7); Likely pathogenic (2). Last evaluated 2026-02-02.

Conditions:
Lymphoma, non-Hodgkin, familial. Identifiers: MedGen C4721532, MONDO:0011508, OMIM 605027.
Aplastic anemia. Identifiers: Orphanet 182040, Orphanet 88, MedGen C0002874, MONDO:0015909, OMIM 609135, HP:0001915.
Familial hemophagocytic lymphohistiocytosis 2 (FHL2). Also called: PRF1-Related Familial Hemophagocytic Lymphohistiocytosis (PRF1-fHLH). Identifiers: Orphanet 540, MedGen C1863727, MONDO:0011337, OMIM 603553.

Allele frequency attached by ClinVar (database versions not stated): gnomAD 0.00001; TOPMed 0.00001; gnomAD exomes 0.00002 and 0.00003; ExAC 0.00005; 1000 Genomes Project 30x 0.00031; 1000 Genomes Project 0.00040.

Submissions (9):

Labcorp Genetics (formerly Invitae), Labcorp
Classification: Pathogenic for Familial hemophagocytic lymphohistiocytosis 2. Last evaluated: 2026-02-02. Review status: criteria provided, single submitter. Criteria: Invitae Variant Classification Sherloc (09022015). Collection method: clinical testing. Allele origin: germline.
Comment: This sequence change replaces threonine, which is neutral and polar, with methionine, which is neutral and non-polar, at codon 450 of the PRF1 protein (p.Thr450Met). This variant is present in population databases (rs189650890, gnomAD 0.01%). This missense change has been observed in individual(s) with familial hemophagocytic lymphohistiocytosis (PMID: 15632205, 15728124, 17266056, 18074390, 20092789, 21152410, 21881043, 25233452, 25297583, 26903364). In at least one individual the data is consistent with being in trans (on the opposite chromosome) from a pathogenic variant. ClinVar contains an entry for this variant (Variation ID: 468301). Invitae Evidence Modeling of protein sequence and biophysical properties (such as structural, functional, and spatial information, amino acid conservation, physicochemical variation, residue mobility, and thermodynamic stability) indicates that this missense variant is expected to disrupt PRF1 protein function with a positive predictive value of 95%. Experimental studies have shown that this missense change affects PRF1 function (PMID: 15632205, 19487666). For these reasons, this variant has been classified as Pathogenic.

Dasa
Classification: Pathogenic. Last evaluated: 2025-05-30. Review status: criteria provided, single submitter. Criteria: DASA Assertion Criteria. Collection method: clinical testing. Allele origin: germline.
Comment: NM_001083116.3(PRF1):c.1349C>T (p.Thr450Met) is a missense variant that results in the substitution of threonine with methionine. The affected residue or protein region has prior evidence supporting clinical relevance. This variant has been observed in affected individuals with related phenotype in a genotype context consistent with recessive disease (PMID: 15632205). Functional evidence supports a deleterious effect on the gene or gene product (PMID: 15632205). This variant has been reported in individuals with related phenotype (PMID: 15632205). Multiple computational predictions support a deleterious effect on the gene or gene product. The variant is present at low frequency in population datasets. Based on the available data, this variant is classified as pathogenic.

Genomic Medicine Center of Excellence, King Faisal Specialist Hospital and Research Centre
Classification: Pathogenic for Familial hemophagocytic lymphohistiocytosis 2. Last evaluated: 2024-03-29. Review status: criteria provided, single submitter. Criteria: ACMG Guidelines, 2015. Collection method: clinical testing. Allele origin: germline.

Baylor Genetics
Classification: Pathogenic for Aplastic anemia. Last evaluated: 2024-02-21. Review status: criteria provided, single submitter. Criteria: ACMG Guidelines, 2015. Collection method: clinical testing. Allele origin: unknown.

Department of Pathology and Laboratory Medicine, Sinai Health System
Classification: Pathogenic for Familial hemophagocytic lymphohistiocytosis 2; Lymphoma, non-Hodgkin, familial; Aplastic anemia. Last evaluated: 2023-01-16. Review status: criteria provided, single submitter. Criteria: ACMG Guidelines, 2015. Collection method: research. Allele origin: germline.

Genetics and Genomic Medicine Centre, NeuroGen Healthcare, NeuroGen Healthcare
Classification: Likely pathogenic for Familial hemophagocytic lymphohistiocytosis 2. Last evaluated: 2020-08-23. Review status: criteria provided, single submitter. Criteria: Submitter's publication. Collection method: clinical testing. Allele origin: unknown. Affected: no.

HudsonAlpha Institute for Biotechnology
Classification: Pathogenic for Familial hemophagocytic lymphohistiocytosis 2. Last evaluated: 2019-03-26. Review status: criteria provided, single submitter. Criteria: ACMG Guidelines, 2015. Collection method: research. Allele origin: unknown. Affected: yes. Observed: 1 variant allele. Study: HudsonAlpha-AGHI-WGS.

Revvity Omics, Revvity
Classification: Likely pathogenic. Last evaluated: 2019-01-03. Review status: criteria provided, single submitter. Criteria: ACMG Guidelines, 2015. Collection method: clinical testing. Allele origin: germline.

Juno Genomics, Hangzhou Juno Genomics, Inc
Classification: Pathogenic for Familial hemophagocytic lymphohistiocytosis 2. Review status: criteria provided, single submitter. Criteria: ACMG Guidelines, 2015. Collection method: clinical testing. Allele origin: germline.
Comment: Absent from controls (or at extremely low frequency if recessive) in Genome Aggregation Database.;Well-established in vitro or in vivo functional studies supportive of a damaging effect on the gene or gene product.;For recessive disorders, detected in trans with a pathogenic variant.;Patient's phenotype or family history is highly specific for a disease with a single genetic etiology.;Co-segregation with disease in multiple affected family members.

Literature cited by the submitters: PubMed 15632205 (cited by Labcorp Genetics (formerly Invitae), Labcorp and Dasa); PubMed 15728124 (cited by Labcorp Genetics (formerly Invitae), Labcorp); PubMed 17266056 (cited by Labcorp Genetics (formerly Invitae), Labcorp); PubMed 18074390 (cited by Labcorp Genetics (formerly Invitae), Labcorp); PubMed 20092789 (cited by Labcorp Genetics (formerly Invitae), Labcorp); PubMed 21152410 (cited by Labcorp Genetics (formerly Invitae), Labcorp); PubMed 21881043 (cited by Labcorp Genetics (formerly Invitae), Labcorp); PubMed 25233452 (cited by Labcorp Genetics (formerly Invitae), Labcorp); PubMed 25297583 (cited by Labcorp Genetics (formerly Invitae), Labcorp); PubMed 26903364 (cited by Labcorp Genetics (formerly Invitae), Labcorp); PubMed 19487666 (cited by Labcorp Genetics (formerly Invitae), Labcorp).